The following is an entry in ClinVar:

NM_005633.4(SOS1):c.2540A>G (p.Glu847Gly)

Gene: SOS1 (SOS Ras/Rac guanine nucleotide exchange factor 1; minus strand). Cytogenetic location: 2p22.1.
Variant type: single nucleotide variant.
Coding change: c.2540A>G on transcript NM_005633.4 (MANE Select); coding-DNA position 2540, A replaced by G.
Protein change: p.Glu847Gly; replaces glutamic acid 847 with glycine.
Molecular consequence: missense variant.
Genome position (GRCh38, 1-based): chr2:39,007,164, T>C on the plus strand (A>G on the coding strand, the complement: SOS1 is on the minus strand). VCF-style: chr2-39007164-T-C. GRCh37 (hg19) VCF-style: chr2-39234305-T-C.
Other names: c.2519A>G, p.Glu840Gly (NM_001382394.1); c.2540A>G, p.Glu847Gly (NM_001382395.1); short protein forms E847G, E840G.
Identifiers: ClinVar variation 2453694 (VCV002453694.2), dbSNP rs2528969370, ClinGen allele CA346363606.

ClinVar aggregate classification (germline): Uncertain significance (1 of 4 stars; one submission).

Conditions:
Cardiovascular phenotype. Identifiers: MedGen CN230736.

Submission:

Ambry Genetics
Classification: Uncertain significance for Cardiovascular phenotype. Last evaluated: 2022-12-06. Review status: criteria provided, single submitter. Criteria: Ambry Variant Classification Scheme 2023. Collection method: clinical testing. Allele origin: germline.
Comment: The p.E847G variant (also known as c.2540A>G), located in coding exon 16 of the SOS1 gene, results from an A to G substitution at nucleotide position 2540. The glutamic acid at codon 847 is replaced by glycine, an amino acid with similar properties. This amino acid position is conserved. In addition, the in silico prediction for this alteration is inconclusive. Since supporting evidence is limited at this time, the clinical significance of this alteration remains unclear.